The following is an entry in ClinVar:

ClinVar aggregate classification (germline): Uncertain significance. Review status: criteria provided, multiple submitters, no conflicts (2 of 4 stars). 3 submissions from 3 submitters: Uncertain significance (3). Last evaluated 2026-07-14.

Conditions:
KIF11-related disorder. Also called: KIF11-related condition.

Allele frequency attached by ClinVar (database versions not stated): gnomAD exomes below 0.00001 and 0.00003; gnomAD 0.00001; TOPMed 0.00002; ExAC 0.00003.

Submissions (3):

PreventionGenetics, part of Exact Sciences
Classification: Uncertain significance for KIF11-related condition. Last evaluated: 2026-07-14. Review status: criteria provided, single submitter. Criteria: ACMG Guidelines, 2015. Collection method: clinical testing. Allele origin: germline.
Comment: The KIF11 c.907G>A variant is predicted to result in the amino acid substitution p.Val303Ile. To our knowledge, this variant has not been reported in the literature. This variant is reported in 0.0058% of alleles in individuals of Latino descent in gnomAD. At this time, the clinical significance of this variant is uncertain due to the absence of conclusive functional and genetic evidence.

Dasa
Classification: Uncertain significance. Last evaluated: 2025-02-08. Review status: criteria provided, single submitter. Criteria: DASA Assertion Criteria. Collection method: clinical testing. Allele origin: germline.
Comment: NM_004523.4(KIF11):c.907G>A (p.Val303Ile) is a missense variant that results in the substitution of valine with isoleucine. This variant is rare in population databases. Computational prediction algorithms are consistent with a deleterious effect. The currently available literature and clinical evidence are not sufficient to establish a definitive association between this variant and the reported condition. Therefore, this variant is classified as a variant of uncertain significance.

Labcorp Genetics (formerly Invitae), Labcorp
Classification: Uncertain significance. Last evaluated: 2024-04-25. Review status: criteria provided, single submitter. Criteria: Invitae Variant Classification Sherloc (09022015). Collection method: clinical testing. Allele origin: germline.
Comment: This sequence change replaces valine, which is neutral and non-polar, with isoleucine, which is neutral and non-polar, at codon 303 of the KIF11 protein (p.Val303Ile). This variant is present in population databases (rs746092943, gnomAD 0.006%). This variant has not been reported in the literature in individuals affected with KIF11-related conditions. ClinVar contains an entry for this variant (Variation ID: 1039112). Advanced modeling of protein sequence and biophysical properties (such as structural, functional, and spatial information, amino acid conservation, physicochemical variation, residue mobility, and thermodynamic stability) has been performed at Invitae for this missense variant, however the output from this modeling did not meet the statistical confidence thresholds required to predict the impact of this variant on KIF11 protein function. In summary, the available evidence is currently insufficient to determine the role of this variant in disease. Therefore, it has been classified as a Variant of Uncertain Significance.

NM_004523.4(KIF11):c.907G>A (p.Val303Ile)

Gene: KIF11 (kinesin family member 11; plus strand). Cytogenetic location: 10q23.33.
Variant type: single nucleotide variant.
Coding change: c.907G>A on transcript NM_004523.4 (MANE Select); coding-DNA position 907, G replaced by A.
Protein change: p.Val303Ile; replaces valine 303 with isoleucine.
Molecular consequence: missense variant.
Genome position (GRCh38, 1-based): chr10:92,613,494, G>A. VCF-style: chr10-92613494-G-A. GRCh37 (hg19) VCF-style: chr10-94373251-G-A.
Other names: c.907G>A (NM_004523.3); short protein forms V303I.
Identifiers: ClinVar variation 1039112 (VCV001039112.9), dbSNP rs746092943, ClinGen allele CA5604085.